The following is an entry in ClinVar:

ClinVar aggregate classification (germline): Uncertain significance (1 of 4 stars; one submission).

Conditions:
Hypertrophic cardiomyopathy 14. Identifiers: MedGen C2750467, MONDO:0013197, OMIM 613251.

Allele frequency attached by ClinVar (database versions not stated): gnomAD exomes below 0.00001; TOPMed below 0.00001; ExAC 0.00001; gnomAD 0.00001; 1000 Genomes Project 30x 0.00016; 1000 Genomes Project 0.00020.
gnomAD v4.1: 2 of 1,612,550 alleles (0.00012%); highest among the groups gnomAD compares: East Asian, 0.0045%; no homozygotes.

Submission:

Labcorp Genetics (formerly Invitae), Labcorp
Classification: Uncertain significance for Hypertrophic cardiomyopathy 14. Last evaluated: 2024-10-25. Review status: criteria provided, single submitter. Criteria: Invitae Variant Classification Sherloc (09022015). Collection method: clinical testing. Allele origin: germline.
Comment: This sequence change replaces valine, which is neutral and non-polar, with methionine, which is neutral and non-polar, at codon 1432 of the MYH6 protein (p.Val1432Met). This variant is present in population databases (rs537640599, gnomAD 0.006%). This variant has not been reported in the literature in individuals affected with MYH6-related conditions. ClinVar contains an entry for this variant (Variation ID: 1521447). Invitae Evidence Modeling of protein sequence and biophysical properties (such as structural, functional, and spatial information, amino acid conservation, physicochemical variation, residue mobility, and thermodynamic stability) indicates that this missense variant is not expected to disrupt MYH6 protein function with a negative predictive value of 80%. In summary, the available evidence is currently insufficient to determine the role of this variant in disease. Therefore, it has been classified as a Variant of Uncertain Significance.

NM_002471.4(MYH6):c.4294G>A (p.Val1432Met)

Gene: MYH6 (myosin heavy chain 6; minus strand). Cytogenetic location: 14q11.2.
Variant type: single nucleotide variant.
Coding change: c.4294G>A on transcript NM_002471.4 (MANE Select); coding-DNA position 4294, G replaced by A.
Protein change: p.Val1432Met; replaces valine 1432 with methionine.
Molecular consequence: missense variant.
Genome position (GRCh38, 1-based): chr14:23,388,220, C>T on the plus strand (G>A on the coding strand, the complement: MYH6 is on the minus strand). VCF-style: chr14-23388220-C-T. GRCh37 (hg19) VCF-style: chr14-23857429-C-T.
Other names: short protein forms V1432M.
Identifiers: ClinVar variation 1521447 (VCV001521447.8), dbSNP rs537640599, ClinGen allele CA7114830.